The following is an entry in ClinVar:

ClinVar aggregate classification (germline): Benign (0 of 4 stars; one submission).

Conditions:
BIRC6-related disorder. Also called: BIRC6-related condition.

Allele frequency attached by ClinVar (database versions not stated): ExAC 0.00165; 1000 Genomes Project 0.00519; gnomAD 0.00545; 1000 Genomes Project 30x 0.00625; ESP Exome Variant Server 0.00654; TOPMed 0.00662.
gnomAD v4.1: 1,580 of 1,613,080 alleles (0.098%); highest among the groups gnomAD compares: African/African-American, 1.8%; 19 homozygotes.

Submission:

PreventionGenetics, part of Exact Sciences
Classification: Benign for BIRC6-related condition. Last evaluated: 2019-11-11. Review status: no assertion criteria provided. Collection method: clinical testing. Allele origin: germline.
Comment: This variant is classified as benign based on ACMG/AMP sequence variant interpretation guidelines (Richards et al. 2015 PMID: 25741868, with internal and published modifications).

NM_016252.4(BIRC6):c.11207C>A (p.Thr3736Asn)

Gene: BIRC6 (baculoviral IAP repeat containing 6; plus strand). Cytogenetic location: 2p22.3.
Variant type: single nucleotide variant.
Coding change: c.11207C>A on transcript NM_016252.4 (MANE Select); coding-DNA position 11207, C replaced by A.
Protein change: p.Thr3736Asn; replaces threonine 3736 with asparagine.
Molecular consequence: missense variant.
Genome position (GRCh38, 1-based): chr2:32,515,628, C>A. VCF-style: chr2-32515628-C-A. GRCh37 (hg19) VCF-style: chr2-32740695-C-A.
Other names: c.11204C>A, p.Thr3735Asn (NM_001378125.1); short protein forms T3735N, T3736N.
Identifiers: ClinVar variation 3039402 (VCV003039402.2), dbSNP rs7588124, ClinGen allele CA1604939.